The following is an entry in ClinVar:

ClinVar aggregate classification (germline): Uncertain significance (1 of 4 stars; one submission).

Allele frequency attached by ClinVar (database versions not stated): gnomAD exomes 0.00001; TOPMed 0.00001; ExAC 0.00013.
gnomAD v4.1: 7 of 1,554,858 alleles (0.00045%); highest among the groups gnomAD compares: East Asian, 0.014%; no homozygotes.

Submission:

Labcorp Genetics (formerly Invitae), Labcorp
Classification: Uncertain significance. Last evaluated: 2022-10-09. Review status: criteria provided, single submitter. Criteria: Invitae Variant Classification Sherloc (09022015). Collection method: clinical testing. Allele origin: germline.
Comment: In summary, the available evidence is currently insufficient to determine the role of this variant in disease. Therefore, it has been classified as a Variant of Uncertain Significance. Algorithms developed to predict the effect of missense changes on protein structure and function output the following: SIFT: "Deleterious"; PolyPhen-2: "Possibly Damaging"; Align-GVGD: "Class C0". The isoleucine amino acid residue is found in multiple mammalian species, which suggests that this missense change does not adversely affect protein function. This variant has not been reported in the literature in individuals affected with SLC26A1-related conditions. This variant is present in population databases (rs772260145, gnomAD 0.06%). This sequence change replaces valine, which is neutral and non-polar, with isoleucine, which is neutral and non-polar, at codon 473 of the SLC26A1 protein (p.Val473Ile).

NM_022042.4(SLC26A1):c.1417G>A (p.Val473Ile)

Genes: IDUA (alpha-L-iduronidase; plus strand), SLC26A1 (solute carrier family 26 member 1; minus strand). Cytogenetic location: 4p16.3.
Variant type: single nucleotide variant.
Coding change: c.1417G>A on transcript NM_022042.4 (MANE Select); coding-DNA position 1417, G replaced by A.
Protein change: p.Val473Ile; replaces valine 473 with isoleucine.
Molecular consequence: missense variant. On other transcripts: intron variant (2).
Genome position (GRCh38, 1-based): chr4:989,522, C>T on the plus strand (G>A on the coding strand, the complement: SLC26A1 is on the minus strand). VCF-style: chr4-989522-C-T. GRCh37 (hg19) VCF-style: chr4-983310-C-T.
Other names: c.1417G>A, p.Val473Ile (NM_213613.4); c.576+1606G>A (NM_134425.4); c.299+1573C>T (NM_000203.5); short protein forms V473I.
Identifiers: ClinVar variation 2106868 (VCV002106868.4), dbSNP rs772260145, ClinGen allele CA2801379.